The following is an entry in ClinVar:

GRCh37/hg19 2p21(chr2:45409988-45968987)x3

Genes: PRKCE (protein kinase C epsilon; plus strand), SRBD1 (S1 RNA binding domain 1; minus strand). Cytogenetic location: 2p21.
Variant type: copy number gain.
Change: copy number 3 (three copies instead of two) of chr2:45,409,988-45,968,987 (559.0 kb, GRCh37 coordinates, 1-based), cytogenetic band 2p21.
Identifiers: ClinVar variation 446355 (VCV000446355.4).

ClinVar aggregate classification (germline): Uncertain significance (1 of 4 stars; one submission).

Submission:

Clinical Genomics Laboratory, Laboratory for Precision Diagnostics, University of Washington
Classification: Uncertain significance. Last evaluated: 2017-06-14. Review status: criteria provided, single submitter. Criteria: Clinical Cytogenomics Laboratory Policy on CNV Interpretation. Collection method: clinical testing. Allele origin: unknown. Affected: yes. Observed: 1 variant allele.